The following is an entry in ClinVar:

ClinVar aggregate classification (germline): Uncertain significance (1 of 4 stars; one submission).

Conditions:
Arrhythmogenic right ventricular dysplasia 9 (ARVD9). Also called: Arrhythmogenic Right Ventricular Dysplasia/Cardiomyopathy 9; ARRHYTHMOGENIC RIGHT VENTRICULAR DYSPLASIA, FAMILIAL, 9. Identifiers: MedGen C1836906, MONDO:0012180, OMIM 609040.

Submission:

Labcorp Genetics (formerly Invitae), Labcorp
Classification: Uncertain significance for Arrhythmogenic right ventricular dysplasia 9. Last evaluated: 2025-03-09. Review status: criteria provided, single submitter. Criteria: Invitae Variant Classification Sherloc (09022015). Collection method: clinical testing. Allele origin: germline.
Comment: This sequence change replaces glycine, which is neutral and non-polar, with serine, which is neutral and polar, at codon 253 of the PKP2 protein (p.Gly253Ser). This variant is not present in population databases (gnomAD no frequency). This variant has not been reported in the literature in individuals affected with PKP2-related conditions. An algorithm developed to predict the effect of missense changes on protein structure and function outputs the following: PolyPhen-2: "Benign". The serine amino acid residue is found in multiple mammalian species, which suggests that this missense change does not adversely affect protein function. In summary, the available evidence is currently insufficient to determine the role of this variant in disease. Therefore, it has been classified as a Variant of Uncertain Significance.

NM_001005242.3(PKP2):c.757G>A (p.Gly253Ser)

Gene: PKP2 (plakophilin 2; minus strand). Cytogenetic location: 12p11.21.
Variant type: single nucleotide variant.
Coding change: c.757G>A on transcript NM_001005242.3 (MANE Select); coding-DNA position 757, G replaced by A.
Protein change: p.Gly253Ser; replaces glycine 253 with serine.
Molecular consequence: missense variant.
Genome position (GRCh38, 1-based): chr12:32,878,123, C>T on the plus strand (G>A on the coding strand, the complement: PKP2 is on the minus strand). VCF-style: chr12-32878123-C-T. GRCh37 (hg19) VCF-style: chr12-33031057-C-T.
Other names: c.757G>A, p.Gly253Ser (NM_001407155.1, NM_001407156.1, NM_001407157.1 and 2 more transcripts); c.430G>A, p.Gly144Ser (NM_001407158.1, NM_001407159.1, NM_001407160.1 and 1 more transcripts); short protein forms G144S, G253S.
Identifiers: ClinVar variation 4778177 (VCV004778177.1).